The following is an entry in ClinVar:

ClinVar aggregate classification (germline): Uncertain significance. Review status: criteria provided, multiple submitters, no conflicts (2 of 4 stars). 3 submissions from 3 submitters: Uncertain significance (3). Last evaluated 2025-10-09.

Conditions:
Hereditary cancer-predisposing syndrome. Also called: Neoplastic Syndromes, Hereditary; Tumor predisposition; Hereditary Cancer Syndrome; Hereditary neoplastic syndrome. Identifiers: Orphanet 140162, MedGen C0027672, MeSH D009386, MONDO:0015356.
Familial adenomatous polyposis 1 (FAP1). Also called: FAMILIAL ADENOMATOUS POLYPOSIS 1, ATTENUATED; POLYPOSIS, ADENOMATOUS INTESTINAL. Identifiers: MedGen C2713442, MONDO:0021056, OMIM 175100. Disease mechanism: loss of function.

Allele frequency attached by ClinVar (database versions not stated): TOPMed below 0.00001; gnomAD 0.00001.
gnomAD v4.1: 1 of 1,613,666 alleles (0.000062%); highest among the groups gnomAD compares: African/African-American, 0.0013%; no homozygotes.

Submissions (3):

Labcorp Genetics (formerly Invitae), Labcorp
Classification: Uncertain significance for Familial adenomatous polyposis 1. Last evaluated: 2025-10-09. Review status: criteria provided, single submitter. Criteria: Invitae Variant Classification Sherloc (09022015). Collection method: clinical testing. Allele origin: germline.
Comment: This sequence change replaces valine, which is neutral and non-polar, with alanine, which is neutral and non-polar, at codon 2414 of the APC protein (p.Val2414Ala). This variant is not present in population databases (gnomAD no frequency). This variant has not been reported in the literature in individuals affected with APC-related conditions. ClinVar contains an entry for this variant (Variation ID: 1026682). Invitae Evidence Modeling of protein sequence and biophysical properties (such as structural, functional, and spatial information, amino acid conservation, physicochemical variation, residue mobility, and thermodynamic stability) indicates that this missense variant is not expected to disrupt APC protein function with a negative predictive value of 95%. In summary, the available evidence is currently insufficient to determine the role of this variant in disease. Therefore, it has been classified as a Variant of Uncertain Significance.

Ambry Genetics
Classification: Uncertain significance for Hereditary cancer-predisposing syndrome. Last evaluated: 2024-06-26. Review status: criteria provided, single submitter. Criteria: Ambry Variant Classification Scheme 2023. Collection method: clinical testing. Allele origin: germline.
Comment: The p.V2414A variant (also known as c.7241T>C), located in coding exon 15 of the APC gene, results from a T to C substitution at nucleotide position 7241. The valine at codon 2414 is replaced by alanine, an amino acid with similar properties. This amino acid position is conserved. In addition, in silico predictors for this gene do not accurately predict pathogenicity. Based on the available evidence, the clinical significance of this variant remains unclear.

Baylor Genetics
Classification: Uncertain significance for Familial adenomatous polyposis 1. Last evaluated: 2024-01-17. Review status: criteria provided, single submitter. Criteria: ACMG Guidelines, 2015. Collection method: clinical testing. Allele origin: unknown.

NM_000038.6(APC):c.7241T>C (p.Val2414Ala)

Gene: APC (APC regulator of Wnt signaling pathway; plus strand). Cytogenetic location: 5q22.2.
Variant type: single nucleotide variant.
Coding change: c.7241T>C on transcript NM_000038.6 (MANE Select); coding-DNA position 7241, T replaced by C.
Protein change: p.Val2414Ala; replaces valine 2414 with alanine.
Molecular consequence: missense variant.
Genome position (GRCh38, 1-based): chr5:112,842,835, T>C. VCF-style: chr5-112842835-T-C. GRCh37 (hg19) VCF-style: chr5-112178532-T-C.
Other names: c.7241T>C, p.Val2414Ala (NM_001127510.3, NM_001354895.2); c.7187T>C, p.Val2396Ala (NM_001127511.3); c.7295T>C, p.Val2432Ala (NM_001354896.2); c.7271T>C, p.Val2424Ala (NM_001354897.2); c.7166T>C, p.Val2389Ala (NM_001354898.2); c.7157T>C, p.Val2386Ala (NM_001354899.2); c.7118T>C, p.Val2373Ala (NM_001354900.2); c.7064T>C, p.Val2355Ala (NM_001354901.2); and 6 more; short protein forms V2131A, V2254A, V2288A, V2313A, V2323A, V2355A, V2373A, V2386A.
Identifiers: ClinVar variation 1026682 (VCV001026682.12), dbSNP rs1178140038, ClinGen allele CA16037105.
Genomic context (GRCh38, chr5:112,842,835, plus strand): 5'-GTGAGTCTGCCTCCAAAGGACTAAATCAGATGAATAATGGTAATGGAGCCAATAAAAAGG[T>C]AGAACTTTCTAGAATGTCTTCAACTAAATCAAGTGGAAGTGAATCTGATAGATCAGAAAG-3'
Protein context (NP_000029.2, residues 2404-2424): MNNGNGANKK[Val2414Ala]ELSRMSSTKS